The following is an entry in ClinVar:

NM_001040142.2(SCN2A):c.1393G>T (p.Ala465Ser)

Gene: SCN2A (sodium voltage-gated channel alpha subunit 2; plus strand). Cytogenetic location: 2q24.3.
Variant type: single nucleotide variant.
Coding change: c.1393G>T on transcript NM_001040142.2 (MANE Select); coding-DNA position 1393, G replaced by T.
Protein change: p.Ala465Ser; replaces alanine 465 with serine.
Molecular consequence: missense variant.
Genome position (GRCh38, 1-based): chr2:165,315,480, G>T. VCF-style: chr2-165315480-G-T. GRCh37 (hg19) VCF-style: chr2-166171990-G-T.
Other names: c.1393G>T, p.Ala465Ser (NM_001040143.2, NM_001371246.1, NM_001371247.1 and 1 more transcripts); short protein forms A465S.
Identifiers: ClinVar variation 1771586 (VCV001771586.2), dbSNP rs1574571828, ClinGen allele CA349022654.
Genomic context (GRCh38, chr2:165,315,480, plus strand): 5'-AATTACTTTTTAAGTTTATATGCAACTTCCACATACTTTGCGCCCTTCTAGGCGGCAGCT[G>T]CAGCCGCATCTGCTGAATCAAGAGACTTCAGTGGTGCTGGTGGGATAGGAGTTTTTTCAG-3'
Protein context (NP_001035232.1, residues 455-475): KQQEEAQAAA[Ala465Ser]AASAESRDFS

ClinVar aggregate classification (germline): Uncertain significance (1 of 4 stars; one submission).

Conditions:
Inborn genetic diseases. Identifiers: MedGen C0950123, MeSH D030342.

Submission:

Ambry Genetics
Classification: Uncertain significance for Inborn genetic diseases. Last evaluated: 2017-06-29. Review status: criteria provided, single submitter. Criteria: Ambry Variant Classification Scheme 2023. Collection method: clinical testing. Allele origin: germline.
Comment: The p.A465S variant (also known as c.1393G>T), located in coding exon 10 of the SCN2A gene, results from a G to T substitution at nucleotide position 1393. The alanine at codon 465 is replaced by serine, an amino acid with similar properties. This amino acid position is not well conserved in available vertebrate species. In addition, the in silico prediction for this alteration is inconclusive. Since supporting evidence is limited at this time, the clinical significance of this alteration remains unclear.